The following is an entry in ClinVar:

NM_205836.3(FBXO38):c.310G>A (p.Val104Ile)

Gene: FBXO38 (F-box protein 38; plus strand). Cytogenetic location: 5q32.
Variant type: single nucleotide variant.
Coding change: c.310G>A on transcript NM_205836.3 (MANE Select); coding-DNA position 310, G replaced by A.
Protein change: p.Val104Ile; replaces valine 104 with isoleucine.
Molecular consequence: missense variant.
Genome position (GRCh38, 1-based): chr5:148,402,029, G>A. VCF-style: chr5-148402029-G-A. GRCh37 (hg19) VCF-style: chr5-147781592-G-A.
Other names: c.310G>A, p.Val104Ile (NM_001271723.2, NM_030793.5); short protein forms V104I.
Identifiers: ClinVar variation 2895996 (VCV002895996.3), dbSNP rs889667327, ClinGen allele CA128968627.

ClinVar aggregate classification (germline): Uncertain significance (1 of 4 stars; one submission).

Conditions:
Distal hereditary motor neuropathy type 2. Identifiers: Orphanet 139525, MedGen C3711384, MeSH C580044, MONDO:0015352.

Allele frequency attached by ClinVar (database versions not stated): TOPMed below 0.00001; gnomAD 0.00001.
gnomAD v4.1: 1 of 1,613,198 alleles (0.000062%); highest among the groups gnomAD compares: Admixed American, 0.0017%; no homozygotes.

Submission:

Labcorp Genetics (formerly Invitae), Labcorp
Classification: Uncertain significance for Distal hereditary motor neuropathy type 2. Last evaluated: 2024-10-23. Review status: criteria provided, single submitter. Criteria: Invitae Variant Classification Sherloc (09022015). Collection method: clinical testing. Allele origin: germline.
Comment: This sequence change replaces valine, which is neutral and non-polar, with isoleucine, which is neutral and non-polar, at codon 104 of the FBXO38 protein (p.Val104Ile). This variant is not present in population databases (gnomAD no frequency). This variant has not been reported in the literature in individuals affected with FBXO38-related conditions. Invitae Evidence Modeling of protein sequence and biophysical properties (such as structural, functional, and spatial information, amino acid conservation, physicochemical variation, residue mobility, and thermodynamic stability) indicates that this missense variant is not expected to disrupt FBXO38 protein function with a negative predictive value of 80%. In summary, the available evidence is currently insufficient to determine the role of this variant in disease. Therefore, it has been classified as a Variant of Uncertain Significance.